The following is an entry in ClinVar:

NC_000019.9:g.(?_7694720)_(7712696_?)del

Genes: PCP2 (Purkinje cell protein 2; minus strand), PET100 (PET100 cytochrome c oxidase chaperone; plus strand), STXBP2 (syntaxin binding protein 2; plus strand). Cytogenetic location: 19p13.2.
Variant type: Deletion.
Identifiers: ClinVar variation 3248484 (VCV003248484.1).

ClinVar aggregate classification (germline): Pathogenic (1 of 4 stars; one submission).

Conditions:
Familial hemophagocytic lymphohistiocytosis 5. Also called: STXBP2-Related Familial Hemophagocytic Lymphohistiocytosis (STXBP2-fHLH). Identifiers: Orphanet 540, MedGen C2751293, MONDO:0013135, OMIM 613101.

Submission:

Labcorp Genetics (formerly Invitae), Labcorp
Classification: Pathogenic for Familial hemophagocytic lymphohistiocytosis 5. Last evaluated: 2022-12-31. Review status: criteria provided, single submitter. Criteria: Invitae Variant Classification Sherloc (09022015). Collection method: clinical testing. Allele origin: unknown.
Comment: For these reasons, this variant has been classified as Pathogenic. This variant has not been reported in the literature in individuals affected with STXBP2-related conditions. A gross deletion of the genomic region encompassing the full coding sequence of the STXBP2 gene has been identified. Loss-of-function variants in STXBP2 are known to be pathogenic (PMID: 19804848, 22451424). The boundaries of this event are unknown as they extend beyond the assayed region for this gene and therefore may encompass additional genes.

Literature cited by the submitters: PubMed 19804848; PubMed 22451424.